The following is an entry in ClinVar:

NM_024658.4(IPO4):c.2046G>A (p.Glu682=)

Gene: IPO4 (importin 4; minus strand). Cytogenetic location: 14q12.
Variant type: single nucleotide variant.
Coding change: c.2046G>A on transcript NM_024658.4 (MANE Select); coding-DNA position 2046, G replaced by A.
Protein change: p.Glu682=; no amino-acid change (glutamic acid 682 retained).
Molecular consequence: synonymous variant. On other transcripts: non-coding transcript variant (1).
Genome position (GRCh38, 1-based): chr14:24,183,607, C>T on the plus strand (G>A on the coding strand, the complement: IPO4 is on the minus strand). VCF-style: chr14-24183607-C-T. GRCh37 (hg19) VCF-style: chr14-24652813-C-T.
Identifiers: ClinVar variation 2644132 (VCV002644132.24), dbSNP rs202114287, ClinGen allele CA7127851.

ClinVar aggregate classification (germline): Likely benign (1 of 4 stars; one submission).

Allele frequency attached by ClinVar (database versions not stated): ExAC 0.00079; ESP Exome Variant Server 0.00095; gnomAD 0.00135; TOPMed 0.00141; gnomAD exomes 0.00194.
gnomAD v4.1: 3,072 of 1,614,158 alleles (0.19%); highest among the groups gnomAD compares: Non-Finnish European, 0.24%; 2 homozygotes.

Submission:

CeGaT Center for Human Genetics Tuebingen
Classification: Likely benign. Last evaluated: 2022-12-01. Review status: criteria provided, single submitter. Criteria: CeGaT Center For Human Genetics Tuebingen Variant Classification Criteria Version 2. Collection method: clinical testing. Allele origin: germline. Affected: yes. Observed: 1 variant allele.
Comment: IPO4: BP4, BP7